The following is an entry in ClinVar:

ClinVar aggregate classification (germline): Benign. Review status: criteria provided, multiple submitters, no conflicts (2 of 4 stars). 5 submissions from 5 submitters: Benign (4). 1 of the submissions does not count toward it. Last evaluated 2021-07-30.

Conditions:
Autosomal recessive limb-girdle muscular dystrophy type 2P. Also called: MUSCULAR DYSTROPHY-DYSTROGLYCANOPATHY, LIMB-GIRDLE, DAG1-RELATED; Limb-Girdle Muscular Dystrophy Type 9C; MUSCULAR DYSTROPHY, LIMB-GIRDLE, TYPE 2P. Identifiers: Orphanet 280333, MedGen C4511963, MONDO:0013440, OMIM 613818.

Allele frequency attached by ClinVar (database versions not stated): ESP Exome Variant Server 0.97324; TOPMed 0.97350; gnomAD 0.97521; ExAC 0.99248; 1000 Genomes Project 30x 0.96346; 1000 Genomes Project 0.96585.
gnomAD v4.1: 1,602,449 of 1,609,634 alleles (100%); highest among the groups gnomAD compares: East Asian, 100%; 797,915 homozygotes.

Submissions (5):

Genome-Nilou Lab
Classification: Benign for Autosomal recessive limb-girdle muscular dystrophy type 2P. Last evaluated: 2021-07-30. Review status: criteria provided, single submitter. Criteria: ACMG Guidelines, 2015. Collection method: clinical testing. Allele origin: germline. Affected: no.

GeneDx
Classification: Benign. Last evaluated: 2018-06-14. Review status: criteria provided, single submitter. Criteria: GeneDx Variant Classification (06012015). Collection method: clinical testing. Allele origin: germline. Affected: yes.
Comment: This variant is considered likely benign or benign based on one or more of the following criteria: it is a conservative change, it occurs at a poorly conserved position in the protein, it is predicted to be benign by multiple in silico algorithms, and/or has population frequency not consistent with disease.

Breakthrough Genomics
Classification: Benign. Review status: criteria provided, single submitter. Criteria: ACMG Guidelines, 2015. Collection method: not provided. Allele origin: germline. Inheritance: Autosomal recessive inheritance. Affected: yes.

PreventionGenetics, part of Exact Sciences
Classification: Benign. Review status: criteria provided, single submitter. Criteria: ACMG Guidelines, 2015. Collection method: clinical testing. Allele origin: germline.

Leiden Muscular Dystrophy (DAG1)
No classification provided. Last evaluated: 2011-05-13. Review status: no classification provided. Collection method: curation. Allele origin: unknown. Not counted in ClinVar's aggregate classification.

NM_004393.6(DAG1):c.285+42T>C

Gene: DAG1 (dystroglycan 1; plus strand). Cytogenetic location: 3p21.31.
Variant type: single nucleotide variant.
Coding change: c.285+42T>C on transcript NM_004393.6 (MANE Select); 42 bases into the intron after coding-DNA position 285, T replaced by C.
Molecular consequence: intron variant.
Genome position (GRCh38, 1-based): chr3:49,510,861, T>C. VCF-style: chr3-49510861-T-C. GRCh37 (hg19) VCF-style: chr3-49548294-T-C.
Other names: c.285+42T>C (NM_001177643.3, NM_001177644.3, NM_001177634.3 and 9 more transcripts).
Identifiers: ClinVar variation 31753 (VCV000031753.9), dbSNP rs2329024, ClinGen allele CA215250.
Genomic context (GRCh38, chr3:49,510,861, plus strand): 5'-CAGTGGAGATATCATCAAGGTGAGACTGGATATAAAGCATAAATGAGGAAGAGTTCTCAT[T>C]TTCCATTTTAGTTTTGGTGGCTTTTCCTTTTCAAGTCTAAGCTTCACCAATTCTGAGCTC-3'